The following is an entry in ClinVar:

NM_014363.6(SACS):c.8793del (p.Lys2931fs)

Gene: SACS (sacsin molecular chaperone; minus strand). Cytogenetic location: 13q12.12.
Variant type: Deletion.
Coding change: c.8793del on transcript NM_014363.6 (MANE Select); coding-DNA position 8793, one base deleted (A; older notation c.8793delA).
Protein change: p.Lys2931fs; shifts the reading frame from lysine 2931.
Molecular consequence: frameshift variant.
Genome position (GRCh38, 1-based): chr13:23,335,083, T deleted on the plus strand (A on the coding strand, the reverse complement: SACS is on the minus strand); the first of 7 consecutive T bases (chr13:23,335,083-23,335,089); deleting any one gives the same sequence. VCF-style (leftmost placement, unchanged base first): chr13-23335082-GT-G. GRCh37 (hg19) VCF-style: chr13-23909221-GT-G.
Other names: c.8352del, p.Lys2784fs (NM_001278055.2); c.8793del (NM_014363.4, NM_014363.5); short protein forms K2784fs, K2931fs.
Identifiers: ClinVar variation 449517 (VCV000449517.27), dbSNP rs767871841, ClinGen allele CA483160036.

ClinVar aggregate classification (germline): Pathogenic. Review status: criteria provided, multiple submitters, no conflicts (2 of 4 stars). 11 submissions from 11 submitters: Pathogenic (10). 1 of the submissions does not count toward it. Last evaluated 2025-01-20.

Conditions:
Spastic paraplegia. Identifiers: MedGen C0037772, HP:0001258.
Charlevoix-Saguenay spastic ataxia (SACS). Also called: SPASTIC ATAXIA 6, AUTOSOMAL RECESSIVE; AUTOSOMAL RECESSIVE SPASTIC ATAXIA OF CHARLEVOIX-SAGUENAY; Spastic ataxia of Charlevoix-Saguenay. Identifiers: Orphanet 98, MedGen C1849140, MONDO:0010041, OMIM 270550.

Submissions (11):

Natera, Inc.
Classification: Pathogenic for Charlevoix-Saguenay type spastic ataxia. Last evaluated: 2025-01-20. Review status: criteria provided, single submitter. Criteria: Natera Variant Classification Schema (03/2026). Collection method: clinical testing. Allele origin: germline.
Comment: The c.8793delA variant in SACS is a frameshift variant predicted to shift the reading frame beginning at codon 2931 and leads to a stop codon 22 codons downstream. This variant is expected to result in nonsense mediated decay, truncation, or a dysfunctional protein product. This variant is rare in the general population with a frequency below the threshold expected for the associated phenotype(s). This variant has been observed in one or more individuals affected with the associated recessive disease, as either homozygous or compound heterozygous with a second variant (PMID: 16961075, 15486997, 35499206). Additionally, this variant has been observed to segregate in affected family members (PMID: 15486997). Given the available evidence, this variant is classified as Pathogenic.

Fulgent Genetics
Classification: Pathogenic for Charlevoix-Saguenay spastic ataxia. Last evaluated: 2024-03-22. Review status: criteria provided, single submitter. Criteria: ACMG Guidelines, 2015. Collection method: clinical testing. Allele origin: germline.

Baylor Genetics
Classification: Pathogenic for Charlevoix-Saguenay spastic ataxia. Last evaluated: 2024-02-29. Review status: criteria provided, single submitter. Criteria: ACMG Guidelines, 2015. Collection method: clinical testing. Allele origin: unknown.

Labcorp Genetics (formerly Invitae), Labcorp
Classification: Pathogenic for Spastic paraplegia. Last evaluated: 2024-01-17. Review status: criteria provided, single submitter. Criteria: Invitae Variant Classification Sherloc (09022015). Collection method: clinical testing. Allele origin: germline.
Comment: This sequence change creates a premature translational stop signal (p.Lys2931Asnfs*22) in the SACS gene. While this is not anticipated to result in nonsense mediated decay, it is expected to disrupt the last 1649 amino acid(s) of the SACS protein. This variant is present in population databases (no rsID available, gnomAD 0.003%). This premature translational stop signal has been observed in individual(s) with autosomal recessive spastic ataxia (PMID: 15486997). It has also been observed to segregate with disease in related individuals. This variant is also known as 6543delA. ClinVar contains an entry for this variant (Variation ID: 449517). This variant disrupts a region of the SACS protein in which other variant(s) (p.Arg3636*) have been determined to be pathogenic (PMID: 18465152). This suggests that this is a clinically significant region of the protein, and that variants that disrupt it are likely to be disease-causing. For these reasons, this variant has been classified as Pathogenic.

Revvity Omics, Revvity
Classification: Pathogenic for Charlevoix-Saguenay spastic ataxia. Last evaluated: 2024-01-12. Review status: criteria provided, single submitter. Criteria: ACMG Guidelines, 2015. Collection method: clinical testing. Allele origin: germline.

GeneDx
Classification: Pathogenic. Last evaluated: 2023-08-17. Review status: criteria provided, single submitter. Criteria: GeneDx Variant Classification Process June 2021. Collection method: clinical testing. Allele origin: germline. Affected: yes.
Comment: Frameshift variant predicted to result in protein truncation, as the last 1649 amino acids are replaced with 21 different amino acids, and other loss-of-function variants have been reported downstream in HGMD.; Not observed at significant frequency in large population cohorts (gnomAD); This variant is associated with the following publications: (PMID: 15486997, 31429931, 32606540, Sheetal_2021_article, 35499206)

Athena Diagnostics
Classification: Pathogenic. Last evaluated: 2023-06-22. Review status: criteria provided, single submitter. Criteria: Athena Diagnostics Criteria. Collection method: clinical testing. Allele origin: unknown.
Comment: The frequency of this variant in the general population is consistent with pathogenicity. This variant is not expected to cause loss of protein expression through nonsense-mediated decay, however, it disrupts an critical region of the protein, and therefore, is expected to severely disrupt function. This variant has been identified in at least one individual with clinical features associated with this gene.

Genome-Nilou Lab
Classification: Pathogenic for Charlevoix-Saguenay spastic ataxia. Last evaluated: 2021-09-05. Review status: criteria provided, single submitter. Criteria: ACMG Guidelines, 2015. Collection method: clinical testing. Allele origin: germline. Affected: no.

Women's Health and Genetics/Laboratory Corporation of America, LabCorp
Classification: Pathogenic for Charlevoix-Saguenay spastic ataxia. Last evaluated: 2021-06-11. Review status: criteria provided, single submitter. Criteria: LabCorp Variant Classification Summary - May 2015. Collection method: clinical testing. Allele origin: germline.
Comment: Variant summary: SACS c.8793delA (p.Lys2931AsnfsX22) results in a premature termination codon, predicted to cause a truncation of the encoded protein or absence of the protein due to nonsense mediated decay, which are commonly known mechanisms for disease. Truncations downstream of this position have been classified as pathogenic by our laboratory. The variant allele was found at a frequency of 4e-06 in 250652 control chromosomes. c.8793delA has been reported in the literature as a homozygous mutation in several individuals affected with Autosomal Recessive Spastic Ataxia Of Charlevoix-Saguenay, including 2 affected siblings (e.g. Hara_2005, Shakya_2019). These data indicate that the variant is very likely to be associated with disease. To our knowledge, no experimental evidence demonstrating an impact on protein function has been reported. Five clinical diagnostic laboratories have submitted clinical-significance assessments for this variant to ClinVar after 2014 without evidence for independent evaluation. All laboratories cited the variant as pathogenic/likely pathogenic. Based on the evidence outlined above, the variant was classified as pathogenic.

Institute of Human Genetics Munich, TUM University Hospital
Classification: Pathogenic for Charlevoix-Saguenay spastic ataxia. Last evaluated: 2018-04-06. Review status: criteria provided, single submitter. Criteria: Classification criteria August 2017. Collection method: clinical testing. Allele origin: germline. Inheritance: Autosomal recessive inheritance. Affected: yes. Observed: 1 homozygote.

Counsyl
Classification: Likely pathogenic for Charlevoix-Saguenay spastic ataxia. Last evaluated: 2018-05-04. Review status: no assertion criteria provided. Collection method: clinical testing. Allele origin: unknown. Not counted in ClinVar's aggregate classification.

Literature cited by the submitters: PubMed 16961075 (cited by Natera, Inc.); PubMed 15486997 (cited by 5 submitters); PubMed 35499206 (cited by Natera, Inc.); PubMed 18465152 (cited by Labcorp Genetics (formerly Invitae), Labcorp); PubMed 16944349 (cited by Athena Diagnostics); PubMed 31429931 (cited by Athena Diagnostics and Women's Health and Genetics/Laboratory Corporation of America, LabCorp); PubMed 16198375 (cited by Women's Health and Genetics/Laboratory Corporation of America, LabCorp).